The following is an entry in ClinVar:

ClinVar aggregate classification (germline): Uncertain significance (1 of 4 stars; one submission).

Conditions:
Cryptozoospermia. Identifiers: MedGen C3279550, HP:0030974.

Allele frequency attached by ClinVar (database versions not stated): gnomAD 0.00001 and 0.00003; gnomAD exomes 0.00001 and 0.00003; ExAC 0.00004; TOPMed 0.00004; 1000 Genomes Project 0.00020; 1000 Genomes Project 30x 0.00031.
gnomAD v4.1: 21 of 1,614,070 alleles (0.0013%); highest among the groups gnomAD compares: African/African-American, 0.0093%; no homozygotes.

Submission:

Institute of Reproductive Genetics, University of Münster
Classification: Uncertain significance for Cryptozoospermia. Last evaluated: 2021-03-01. Review status: criteria provided, single submitter. Criteria: ACMG Guidelines, 2015. Collection method: research. Allele origin: unknown. Inheritance: Autosomal unknown. Affected: yes. Observed: 1 variant allele, 1 heterozygote.
Comment: BP5 (heterozygous frameshift variant in SYCP2, Schilit et al. AJHG 2020)

NM_001039111.3(TRIM71):c.1070C>T (p.Ala357Val)

Gene: TRIM71 (tripartite motif containing 71; plus strand). Cytogenetic location: 3p22.3.
Variant type: single nucleotide variant.
Coding change: c.1070C>T on transcript NM_001039111.3 (MANE Select); coding-DNA position 1070, C replaced by T.
Protein change: p.Ala357Val; replaces alanine 357 with valine.
Molecular consequence: missense variant.
Genome position (GRCh38, 1-based): chr3:32,885,983, C>T. VCF-style: chr3-32885983-C-T. GRCh37 (hg19) VCF-style: chr3-32927475-C-T.
Other names: short protein forms A357V.
Identifiers: ClinVar variation 996345 (VCV000996345.3), dbSNP rs536248483, ClinGen allele CA2298786.
Genomic context (GRCh38, chr3:32,885,983, plus strand): 5'-TGGTTTTCCAGCTGAGCATCGAGCAGGCCCAGACGGTGGCGGAACAGGTGGAGATGAAGG[C>T]GAAGGTTGTGCAGTCGGAGGTCAAAGCCGTGACGGCGAGGCATAAGAAAGCCCTGGAGGA-3'
Protein context (NP_001034200.1, residues 347-367): QTVAEQVEMK[Ala357Val]KVVQSEVKAV